The following is an entry in ClinVar:

ClinVar aggregate classification (germline): Uncertain significance (1 of 4 stars; one submission).

Conditions:
Hereditary pulmonary alveolar proteinosis. Also called: Pulmonary surfactant metabolism dysfunction. Identifiers: Orphanet 264675, MedGen C3711368, MONDO:0012580.

gnomAD v4.1: 1 of 1,613,918 alleles (0.000062%); highest among the groups gnomAD compares: Non-Finnish European, 0.000085%; no homozygotes.

Submission:

Ambry Genetics
Classification: Uncertain significance for Hereditary pulmonary alveolar proteinosis. Last evaluated: 2022-11-04. Review status: criteria provided, single submitter. Criteria: Ambry Variant Classification Scheme 2023. Collection method: clinical testing. Allele origin: germline.
Comment: The p.T1208I variant (also known as c.3623C>T), located in coding exon 21 of the ABCA3 gene, results from a C to T substitution at nucleotide position 3623. The threonine at codon 1208 is replaced by isoleucine, an amino acid with similar properties. This amino acid position is conserved. In addition, the in silico prediction for this alteration is inconclusive. Since supporting evidence is limited at this time, the clinical significance of this alteration remains unclear.

NM_001089.3(ABCA3):c.3623C>T (p.Thr1208Ile)

Gene: ABCA3 (ATP binding cassette subfamily A member 3; minus strand). Cytogenetic location: 16p13.3.
Variant type: single nucleotide variant.
Coding change: c.3623C>T on transcript NM_001089.3 (MANE Select); coding-DNA position 3623, C replaced by T.
Protein change: p.Thr1208Ile; replaces threonine 1208 with isoleucine.
Molecular consequence: missense variant.
Genome position (GRCh38, 1-based): chr16:2,284,859, G>A on the plus strand (C>T on the coding strand, the complement: ABCA3 is on the minus strand). VCF-style: chr16-2284859-G-A. GRCh37 (hg19) VCF-style: chr16-2334860-G-A.
Other names: short protein forms T1208I.
Identifiers: ClinVar variation 2449551 (VCV002449551.2), dbSNP rs753823675, ClinGen allele CA394315544.